The following is an entry in ClinVar:

ClinVar aggregate classification (germline): Likely pathogenic (1 of 4 stars; one submission).

Conditions:
Usher syndrome type 1 (USH1). Also called: RETINITIS PIGMENTOSA AND CONGENITAL DEAFNESS. Identifiers: Orphanet 231169, Orphanet 886, MedGen C1568247, MONDO:0010168, OMIM 276900.

Submission:

SingHealth Duke-NUS Institute of Precision Medicine
Classification: Likely pathogenic for Usher syndrome type 1. Last evaluated: 2025-02-05. Review status: criteria provided, single submitter. Criteria: PRISM ACMG Classification Criteria. Collection method: clinical testing. Allele origin: germline. Affected: yes.
Comment: Variant is truncating a gene where LOF is a known mechanism of disease (PVS1). Variant is not found in gnomAD genomes or exomes (PM2).

NM_000260.4(MYO7A):c.686dup (p.Ala230fs)

Gene: MYO7A (myosin VIIA; plus strand). Cytogenetic location: 11q13.5.
Variant type: Duplication.
Coding change: c.686dup on transcript NM_000260.4 (MANE Select); coding-DNA position 686, one base duplicated (G; older notation c.686dupG).
Protein change: p.Ala230fs; shifts the reading frame from alanine 230.
Molecular consequence: frameshift variant.
Genome position (GRCh38, 1-based): chr11:77,156,955, G duplicated; the last of 3 consecutive G bases (chr11:77,156,953-77,156,955); duplicating any one gives the same sequence. VCF-style (leftmost placement, unchanged base first): chr11-77156952-A-AG. GRCh37 (hg19) VCF-style: chr11-76867998-A-AG.
Other names: c.686dup, p.Ala230fs (NM_001127180.2); c.653dup, p.Ala219fs (NM_001369365.1); short protein forms A219fs, A230fs.
Identifiers: ClinVar variation 3767365 (VCV003767365.1).